The following is an entry in ClinVar:

ClinVar aggregate classification (germline): Uncertain significance. Review status: criteria provided, multiple submitters, no conflicts (2 of 4 stars). 2 submissions from 2 submitters: Uncertain significance (2). Last evaluated 2022-07-11.

Conditions:
Inborn genetic diseases. Identifiers: MedGen C0950123, MeSH D030342.

Allele frequency attached by ClinVar (database versions not stated): ExAC 0.00001.
gnomAD v4.1: 9 of 1,614,114 alleles (0.00056%); highest among the groups gnomAD compares: African/African-American, 0.0013%; no homozygotes.

Submissions (2):

Labcorp Genetics (formerly Invitae), Labcorp
Classification: Uncertain significance. Last evaluated: 2022-07-11. Review status: criteria provided, single submitter. Criteria: Invitae Variant Classification Sherloc (09022015). Collection method: clinical testing. Allele origin: germline.
Comment: This sequence change replaces glutamic acid, which is acidic and polar, with lysine, which is basic and polar, at codon 161 of the TTPA protein (p.Glu161Lys). This variant is present in population databases (rs759856643, gnomAD 0.007%). This variant has not been reported in the literature in individuals affected with TTPA-related conditions. Algorithms developed to predict the effect of missense changes on protein structure and function are either unavailable or do not agree on the potential impact of this missense change (SIFT: "Deleterious"; PolyPhen-2: "Benign"; Align-GVGD: "Class C55"). Algorithms developed to predict the effect of sequence changes on RNA splicing suggest that this variant may create or strengthen a splice site. In summary, the available evidence is currently insufficient to determine the role of this variant in disease. Therefore, it has been classified as a Variant of Uncertain Significance.

Ambry Genetics
Classification: Uncertain significance for Inborn genetic diseases. Last evaluated: 2021-09-17. Review status: criteria provided, single submitter. Criteria: Ambry Variant Classification Scheme 2023. Collection method: clinical testing. Allele origin: germline.

NM_000370.3(TTPA):c.481G>A (p.Glu161Lys)

Gene: TTPA (alpha tocopherol transfer protein; minus strand). Cytogenetic location: 8q12.3.
Variant type: single nucleotide variant.
Coding change: c.481G>A on transcript NM_000370.3 (MANE Select); coding-DNA position 481, G replaced by A.
Protein change: p.Glu161Lys; replaces glutamic acid 161 with lysine.
Molecular consequence: missense variant.
Genome position (GRCh38, 1-based): chr8:63,065,975, C>T on the plus strand (G>A on the coding strand, the complement: TTPA is on the minus strand). VCF-style: chr8-63065975-C-T. GRCh37 (hg19) VCF-style: chr8-63978534-C-T.
Other names: c.481G>A, p.Glu161Lys (NM_001413416.1); c.598G>A, p.Glu200Lys (NM_001413418.1); short protein forms E200K, E161K.
Identifiers: ClinVar variation 1903968 (VCV001903968.3), dbSNP rs759856643, ClinGen allele CA4763229.